The following is an entry in ClinVar:

ClinVar aggregate classification (germline): Uncertain significance (1 of 4 stars; one submission).

Submission:

Labcorp Genetics (formerly Invitae), Labcorp
Classification: Uncertain significance. Last evaluated: 2022-02-02. Review status: criteria provided, single submitter. Criteria: Invitae Variant Classification Sherloc (09022015). Collection method: clinical testing. Allele origin: germline.
Comment: This sequence change replaces leucine, which is neutral and non-polar, with proline, which is neutral and non-polar, at codon 982 of the NEFH protein (p.Leu982Pro). This variant is not present in population databases (gnomAD no frequency). This variant has not been reported in the literature in individuals affected with NEFH-related conditions. Advanced modeling of protein sequence and biophysical properties (such as structural, functional, and spatial information, amino acid conservation, physicochemical variation, residue mobility, and thermodynamic stability) performed at Invitae indicates that this missense variant is not expected to disrupt NEFH protein function. In summary, the available evidence is currently insufficient to determine the role of this variant in disease. Therefore, it has been classified as a Variant of Uncertain Significance.

NM_021076.4(NEFH):c.2945T>C (p.Leu982Pro)

Gene: NEFH (neurofilament heavy chain; plus strand). Cytogenetic location: 22q12.2.
Variant type: single nucleotide variant.
Coding change: c.2945T>C on transcript NM_021076.4 (MANE Select); coding-DNA position 2945, T replaced by C.
Protein change: p.Leu982Pro; replaces leucine 982 with proline.
Molecular consequence: missense variant.
Genome position (GRCh38, 1-based): chr22:29,490,585, T>C. VCF-style: chr22-29490585-T-C. GRCh37 (hg19) VCF-style: chr22-29886574-T-C.
Other names: short protein forms L982P.
Identifiers: ClinVar variation 2091976 (VCV002091976.4), dbSNP rs2517979928, ClinGen allele CA411139358.
Genomic context (GRCh38, chr22:29,490,585, plus strand): 5'-CCAAGAAGCCTGAGGAGAAACCCAAGACAGAGGCCAAAGCCAAGGAAGATGACAAGACCC[T>C]CTCAAAAGAGCCTAGCAAGCCTAAGGCAGAAAAGGCTGAAAAATCCTCCAGCACAGACCA-3'
Protein context (NP_066554.2, residues 972-992): EAKAKEDDKT[Leu982Pro]SKEPSKPKAE